The following is an entry in ClinVar:

ClinVar aggregate classification (germline): Pathogenic/Likely pathogenic. Review status: criteria provided, multiple submitters, no conflicts (2 of 4 stars). 3 submissions from 3 submitters: Pathogenic (1); Likely pathogenic (2). Last evaluated 2022-03-15.

Conditions:
Neurofibromatosis, type 1 (NF1). Also called: NEUROFIBROMATOSIS, TYPE I, SOMATIC; VON RECKLINGHAUSEN DISEASE; Peripheral type neurofibromatosis; Neurofibromatosis, type I. Identifiers: Orphanet 636, MedGen C0027831, MONDO:0018975, OMIM 162200. Disease mechanism: loss of function.

Submissions (3):

Genome-Nilou Lab
Classification: Likely pathogenic for Neurofibromatosis, type 1. Last evaluated: 2022-03-15. Review status: criteria provided, single submitter. Criteria: ACMG Guidelines, 2015. Collection method: clinical testing. Allele origin: germline. Affected: no.

Labcorp Genetics (formerly Invitae), Labcorp
Classification: Pathogenic for Neurofibromatosis, type 1. Last evaluated: 2021-06-18. Review status: criteria provided, single submitter. Criteria: Invitae Variant Classification Sherloc (09022015). Collection method: clinical testing. Allele origin: germline.
Comment: This sequence change affects a donor splice site in intron 14 of the NF1 gene. It is expected to disrupt RNA splicing and likely results in an absent or disrupted protein product. For these reasons, this variant has been classified as Pathogenic. Donor and acceptor splice site variants typically lead to a loss of protein function (PMID: 16199547), and loss-of-function variants in NF1 are known to be pathogenic (PMID: 10712197, 23913538). Algorithms developed to predict the effect of sequence changes on RNA splicing suggest that this variant may disrupt the consensus splice site, but this prediction has not been confirmed by published transcriptional studies. Disruption of this splice site has been observed in individual(s) with clinical features of neurofibromatosis type 1 (PMID: 10712197, 30308447, Invitae). ClinVar contains an entry for this variant (Variation ID: 547598). This variant is not present in population databases (ExAC no frequency).

Center for Human Genetics, Inc
Classification: Likely pathogenic for Neurofibromatosis, type 1. Last evaluated: 2016-11-01. Review status: criteria provided, single submitter. Criteria: ACMG Guidelines, 2015. Collection method: clinical testing. Allele origin: germline. Affected: yes.

Literature cited by the submitters: PubMed 16199547 (cited by Labcorp Genetics (formerly Invitae), Labcorp); PubMed 10712197 (cited by Labcorp Genetics (formerly Invitae), Labcorp); PubMed 23913538 (cited by Labcorp Genetics (formerly Invitae), Labcorp); PubMed 30308447 (cited by Labcorp Genetics (formerly Invitae), Labcorp).

NM_001042492.3(NF1):c.1641+2T>C

Gene: NF1 (neurofibromin 1; plus strand). Cytogenetic location: 17q11.2.
Variant type: single nucleotide variant.
Coding change: c.1641+2T>C on transcript NM_001042492.3 (MANE Select); the canonical splice donor site of the intron after coding-DNA position 1641, T replaced by C.
Molecular consequence: splice donor variant.
Genome position (GRCh38, 1-based): chr17:31,219,120, T>C. VCF-style: chr17-31219120-T-C. GRCh37 (hg19) VCF-style: chr17-29546138-T-C.
Other names: c.1641+2T>C (NM_000267.4, NM_001128147.3).
Identifiers: ClinVar variation 547598 (VCV000547598.7), dbSNP rs1555612867, ClinGen allele CA399002202.
Genomic context (GRCh38, chr17:31,219,120, plus strand): 5'-GGCTCGTCCAACTGGTCCCTCAGTCACACATGCCAGAGATTGCTCAGGAAGCAATGGAGG[T>C]AAGGGGAAAATGAATTCCATGTTCTTGAAGGAAAGATTGTAACTATGTACATTCATGATG-3'